The following is an entry in ClinVar:

NM_012414.4(RAB3GAP2):c.1076A>C (p.Glu359Ala)

Gene: RAB3GAP2 (RAB3 GTPase activating non-catalytic protein subunit 2; minus strand). Cytogenetic location: 1q41.
Variant type: single nucleotide variant.
Coding change: c.1076A>C on transcript NM_012414.4 (MANE Select); coding-DNA position 1076, A replaced by C.
Protein change: p.Glu359Ala; replaces glutamic acid 359 with alanine.
Molecular consequence: missense variant.
Genome position (GRCh38, 1-based): chr1:220,195,132, T>G on the plus strand (A>C on the coding strand, the complement: RAB3GAP2 is on the minus strand). VCF-style: chr1-220195132-T-G. GRCh37 (hg19) VCF-style: chr1-220368474-T-G.
Other names: short protein forms E359A.
Identifiers: ClinVar variation 2926757 (VCV002926757.3), dbSNP rs756070189, ClinGen allele CA1402778.

ClinVar aggregate classification (germline): Uncertain significance (1 of 4 stars; one submission).

Conditions:
Warburg micro syndrome 2 (WARBM2). Also called: MICRO SYNDROME 2. Identifiers: Orphanet 2510, MedGen C3280214, MONDO:0013641, OMIM 614225.
Martsolf syndrome (MARTS). Also called: Congenital cataract with intellectual disability and hypogonadotropic hypogonadism syndrome. Identifiers: Orphanet 1387, MedGen C0796037, MONDO:0023910.

Allele frequency attached by ClinVar (database versions not stated): gnomAD 0.00001; gnomAD exomes 0.00001; TOPMed 0.00002; ExAC 0.00004.
gnomAD v4.1: 19 of 1,614,036 alleles (0.0012%); highest among the groups gnomAD compares: East Asian, 0.04%; no homozygotes.

Submission:

Labcorp Genetics (formerly Invitae), Labcorp
Classification: Uncertain significance for Martsolf syndrome; Warburg micro syndrome 2. Last evaluated: 2023-07-26. Review status: criteria provided, single submitter. Criteria: Invitae Variant Classification Sherloc (09022015). Collection method: clinical testing. Allele origin: germline.
Comment: This variant has not been reported in the literature in individuals affected with RAB3GAP2-related conditions. This sequence change replaces glutamic acid, which is acidic and polar, with alanine, which is neutral and non-polar, at codon 359 of the RAB3GAP2 protein (p.Glu359Ala). This variant is present in population databases (rs756070189, gnomAD 0.05%). Advanced modeling of protein sequence and biophysical properties (such as structural, functional, and spatial information, amino acid conservation, physicochemical variation, residue mobility, and thermodynamic stability) performed at Invitae indicates that this missense variant is not expected to disrupt RAB3GAP2 protein function. In summary, the available evidence is currently insufficient to determine the role of this variant in disease. Therefore, it has been classified as a Variant of Uncertain Significance.